The following is an entry in ClinVar:

ClinVar aggregate classification (germline): Uncertain significance (1 of 4 stars; one submission).

Submission:

Labcorp Genetics (formerly Invitae), Labcorp
Classification: Uncertain significance. Last evaluated: 2024-10-07. Review status: criteria provided, single submitter. Criteria: Invitae Variant Classification Sherloc (09022015). Collection method: clinical testing. Allele origin: germline.
Comment: This sequence change replaces valine, which is neutral and non-polar, with phenylalanine, which is neutral and non-polar, at codon 551 of the POLE protein (p.Val551Phe). This variant is not present in population databases (gnomAD no frequency). This variant has not been reported in the literature in individuals affected with POLE-related conditions. Invitae Evidence Modeling of protein sequence and biophysical properties (such as structural, functional, and spatial information, amino acid conservation, physicochemical variation, residue mobility, and thermodynamic stability) indicates that this missense variant is expected to disrupt POLE protein function with a positive predictive value of 80%. In summary, the available evidence is currently insufficient to determine the role of this variant in disease. Therefore, it has been classified as a Variant of Uncertain Significance.

NM_006231.4(POLE):c.1651G>T (p.Val551Phe)

Gene: POLE (DNA polymerase epsilon, catalytic subunit; minus strand). Cytogenetic location: 12q24.33.
Variant type: single nucleotide variant.
Coding change: c.1651G>T on transcript NM_006231.4 (MANE Select); coding-DNA position 1651, G replaced by T.
Protein change: p.Val551Phe; replaces valine 551 with phenylalanine.
Molecular consequence: missense variant.
Genome position (GRCh38, 1-based): chr12:132,672,662, C>A on the plus strand (G>T on the coding strand, the complement: POLE is on the minus strand). VCF-style: chr12-132672662-C-A. GRCh37 (hg19) VCF-style: chr12-133249248-C-A.
Other names: short protein forms V551F.
Identifiers: ClinVar variation 2959862 (VCV002959862.3), dbSNP rs2042956447, ClinGen allele CA387356576.